The following is an entry in ClinVar:

ClinVar aggregate classification (germline): Uncertain significance. Review status: criteria provided, multiple submitters, no conflicts (2 of 4 stars). 2 submissions from 2 submitters: Uncertain significance (2). Last evaluated 2024-10-01.

Conditions:
Inborn genetic diseases. Identifiers: MedGen C0950123, MeSH D030342.

gnomAD v4.1: 9 of 1,614,118 alleles (0.00056%); highest among the groups gnomAD compares: Non-Finnish European, 0.00068%; no homozygotes.

Submissions (2):

Ambry Genetics
Classification: Uncertain significance for Inborn genetic diseases. Last evaluated: 2024-10-01. Review status: criteria provided, single submitter. Criteria: Ambry Variant Classification Scheme 2023. Collection method: clinical testing. Allele origin: germline.

Labcorp Genetics (formerly Invitae), Labcorp
Classification: Uncertain significance. Last evaluated: 2024-03-27. Review status: criteria provided, single submitter. Criteria: Invitae Variant Classification Sherloc (09022015). Collection method: clinical testing. Allele origin: germline.
Comment: This sequence change replaces asparagine, which is neutral and polar, with lysine, which is basic and polar, at codon 74 of the ITGB3 protein (p.Asn74Lys). This variant is not present in population databases (gnomAD no frequency). This variant has not been reported in the literature in individuals affected with ITGB3-related conditions. Algorithms developed to predict the effect of missense changes on protein structure and function output the following: SIFT: "Not Available"; PolyPhen-2: "Benign"; Align-GVGD: "Not Available". The lysine amino acid residue is found in multiple mammalian species, which suggests that this missense change does not adversely affect protein function. In summary, the available evidence is currently insufficient to determine the role of this variant in disease. Therefore, it has been classified as a Variant of Uncertain Significance.

NM_000212.3(ITGB3):c.222C>G (p.Asn74Lys)

Gene: ITGB3 (integrin subunit beta 3; plus strand). Cytogenetic location: 17q21.32.
Variant type: single nucleotide variant.
Coding change: c.222C>G on transcript NM_000212.3 (MANE Select); coding-DNA position 222, C replaced by G.
Protein change: p.Asn74Lys; replaces asparagine 74 with lysine.
Molecular consequence: missense variant.
Genome position (GRCh38, 1-based): chr17:47,283,410, C>G. VCF-style: chr17-47283410-C-G. GRCh37 (hg19) VCF-style: chr17-45360776-C-G.
Other names: short protein forms N74K.
Identifiers: ClinVar variation 3530571 (VCV003530571.3).